The following is an entry in ClinVar:

NM_001161403.3(LIMS2):c.246CAT[1] (p.Ile84del)

Gene: LIMS2 (LIM zinc finger domain containing 2; minus strand). Cytogenetic location: 2q14.3.
Variant type: Microsatellite.
Coding change: c.246CAT[1] on transcript NM_001161403.3 (MANE Select); one copy of the 3-base unit CAT starting at c.246; the reference has two copies in a row; one copy, 3 bases deleted.
Protein change: p.Ile84del; deletes isoleucine 84.
Molecular consequence: inframe deletion.
Genome position (GRCh38, 1-based): chr2:127,654,532-127,654,534, ATG deleted on the plus strand (CAT on the coding strand, the reverse complement: LIMS2 is on the minus strand); deleting any 3 consecutive bases within chr2:127,654,532-127,654,538 gives the same sequence; the position shown is the placement nearest the transcript's 3' end. VCF-style (leftmost placement, unchanged base first): chr2-127654531-AATG-A. GRCh37 (hg19) VCF-style: chr2-128412105-AATG-A.
Other names: c.312CAT[1], p.Ile106del (NM_001136037.4); c.231CAT[1], p.Ile79del (NM_001161404.2); c.318CAT[1], p.Ile108del (NM_017980.5); short protein forms I106del, I79del, I108del, I84del.
Identifiers: ClinVar variation 2848298 (VCV002848298.3), dbSNP rs1396055005, ClinGen allele CA535663259.

ClinVar aggregate classification (germline): Uncertain significance (1 of 4 stars; one submission).

Conditions:
Autosomal recessive limb-girdle muscular dystrophy type 2W (MDRCMTT). Also called: Muscular dystrophy, autosomal recessive, with cardiomyopathy and triangular tongue; Muscular dystrophy, limb-girdle, type 2W. Identifiers: MedGen C4225192, MONDO:0014788, OMIM 616827.

Submission:

Labcorp Genetics (formerly Invitae), Labcorp
Classification: Uncertain significance for Autosomal recessive limb-girdle muscular dystrophy type 2W. Last evaluated: 2023-12-09. Review status: criteria provided, single submitter. Criteria: Invitae Variant Classification Sherloc (09022015). Collection method: clinical testing. Allele origin: germline.
Comment: This variant, c.315_317del, results in the deletion of 1 amino acid(s) of the LIMS2 protein (p.Ile106del), but otherwise preserves the integrity of the reading frame. This variant is present in population databases (no rsID available, gnomAD 0.0009%). This variant has not been reported in the literature in individuals affected with LIMS2-related conditions. Experimental studies and prediction algorithms are not available or were not evaluated, and the functional significance of this variant is currently unknown. In summary, the available evidence is currently insufficient to determine the role of this variant in disease. Therefore, it has been classified as a Variant of Uncertain Significance.